The following is an entry in ClinVar:

NM_006306.4(SMC1A):c.107C>A (p.Ser36Tyr)

Gene: SMC1A (structural maintenance of chromosomes 1A; minus strand). Cytogenetic location: Xp11.22.
Variant type: single nucleotide variant.
Coding change: c.107C>A on transcript NM_006306.4 (MANE Select); coding-DNA position 107, C replaced by A.
Protein change: p.Ser36Tyr; replaces serine 36 with tyrosine.
Molecular consequence: missense variant. On other transcripts: 5 prime UTR variant (1).
Genome position (GRCh38, 1-based): chrX:53,422,494, G>T on the plus strand (C>A on the coding strand, the complement: SMC1A is on the minus strand). VCF-style: chrX-53422494-G-T. GRCh37 (hg19) VCF-style: chrX-53449443-G-T.
Other names: c.-106C>A (NM_001281463.1); short protein forms S36Y.
Identifiers: ClinVar variation 4856068 (VCV004856068.1).

ClinVar aggregate classification (germline): Likely pathogenic (1 of 4 stars; one submission).

Conditions:
SMC1A-related disorder. Also called: SMC1A-related condition.

Submission:

3billion
Classification: Likely pathogenic for SMC1A-related disorder. Last evaluated: 2025-05-09. Review status: criteria provided, single submitter. Criteria: ACMG Guidelines, 2015. Collection method: clinical testing. Allele origin: germline. Affected: yes.
Comment: The variant is not observed in the gnomAD v4.1.0 dataset. Predicted Consequence/Location: Missense variant In silico tool predictions suggest damaging effect of the variant on gene or gene product [REVEL: 0.92 (>=0.6, sensitivity 0.68 and specificity 0.92); 3Cnet: 0.91 (> 0.75, sensitivity 0.96 and precision 0.92)]. Therefore, this variant is classified as Likely pathogenic according to the recommendation of ACMG/AMP guideline.